The following is an entry in ClinVar:

ClinVar aggregate classification (germline): Uncertain significance. Review status: criteria provided, multiple submitters, no conflicts (2 of 4 stars). 2 submissions from 2 submitters: Uncertain significance (2). Last evaluated 2026-04-11.

Conditions:
Inborn genetic diseases. Identifiers: MedGen C0950123, MeSH D030342.

gnomAD v4.1: 234 of 1,542,398 alleles (0.015%); highest among the groups gnomAD compares: South Asian, 0.12%; 1 homozygote.

Submissions (2):

GeneDx
Classification: Uncertain significance. Last evaluated: 2026-04-11. Review status: criteria provided, single submitter. Criteria: GeneDx Variant Classification Process June 2021. Collection method: clinical testing. Allele origin: germline.
Comment: In silico analysis suggests that this missense variant does not alter protein structure/function; Has not been previously published as pathogenic or benign to our knowledge

Ambry Genetics
Classification: Uncertain significance for Inborn genetic diseases. Last evaluated: 2025-06-29. Review status: criteria provided, single submitter. Criteria: Ambry Variant Classification Scheme 2023. Collection method: clinical testing. Allele origin: germline.

NM_004667.6(HERC2):c.13027A>G (p.Ile4343Val)

Gene: HERC2 (HECT and RLD domain containing E3 ubiquitin protein ligase 2; minus strand). Cytogenetic location: 15q13.1.
Variant type: single nucleotide variant.
Coding change: c.13027A>G on transcript NM_004667.6 (MANE Select); coding-DNA position 13027, A replaced by G.
Protein change: p.Ile4343Val; replaces isoleucine 4343 with valine.
Molecular consequence: missense variant.
Genome position (GRCh38, 1-based): chr15:28,124,198, T>C on the plus strand (A>G on the coding strand, the complement: HERC2 is on the minus strand). VCF-style: chr15-28124198-T-C. GRCh37 (hg19) VCF-style: chr15-28369344-T-C.
Other names: c.13027A>G (NM_004667.5); short protein forms I4343V.
Identifiers: ClinVar variation 4270260 (VCV004270260.2).
Genomic context (GRCh38, chr15:28,124,198, plus strand): 5'-AGGGGCAGAAGAGCTCGGAGAGGTGGTGCAGCAGCAGCAGACGGTTCCTCAGCGCAATGA[T>C]GGGGATCTCCTGCAGGTGATTGTACTCCATGGGGACCTAGAACACAGAAATGGCCTTCAG-3'
Protein context (NP_004658.3, residues 4333-4353): MEYNHLQEIP[Ile4343Val]IALRNRLLLL